The following is an entry in ClinVar:

NM_004113.6(FGF12):c.13+132700_13+139762del

Gene: FGF12 (fibroblast growth factor 12; minus strand). Cytogenetic location: 3q28.
Variant type: Deletion.
Coding change: c.13+132700_13+139762del on transcript NM_004113.6 (MANE Select); bases 132700 to 139762 of the intron after coding-DNA position 13, 7,063 bases deleted.
Molecular consequence: intron variant.
Genome position (GRCh38, 1-based): chr3:192,587,419-192,594,481, 7,063 bases deleted. GRCh37 (hg19): chr3:192,305,208-192,312,270.
Other names: c.-60+133003_-60+140065del (NM_001377293.1); c.13+132700_13+139762del (NM_001377292.1).
Identifiers: ClinVar variation 156904 (VCV000156904.2), ClinGen allele CA212064.

ClinVar aggregate classification (germline): not provided (0 of 4 stars; one submission).

Conditions:
Gestational diabetes mellitus uncontrolled. Identifiers: MedGen C3532257.

Submission:

Institute of Molecular and Cell Biology, University of Tartu
No classification provided. Condition: Gestational diabetes mellitus uncontrolled. Review status: no classification provided. Collection method: case-control. Allele origin: unknown. Affected: yes. Study: Kasak2014.
Comment: The study aimed to determine the contribution of copy number variants in the genetic etiology of normal and complicated pregnancies. The samples represented (i) maternal blood DNA drawn from healthy pregnant women during 1st or 2nd trimester and (ii) maternal and paternal blood DNA drawn at term pregnancy cases representing normal and complicated gestations (severe preeclampsia, PE; gestational diabetes, GD; small-for-gestational age newborn, SGA; large-for-gestational age newborn, LGA). We performed CNV calling based on genome-wide genotyping dataset (Illumina HumanOmniExpress-24-v1 BeadChip) by applying three algorithms, QuantiSNP, GADA (Genome Alteration Detection Algorithm) and CNstream in parallel. The acquired CNV calls were merged with HD-CNV (Hotspot Detector for Copy Number Variants) program and only the CNVs predicted by at least two programs, were considered in subsequent analysis.

Literature cited by the submitters: PubMed 25666259.